The following is an entry in ClinVar:

NM_022726.4(ELOVL4):c.52G>T (p.Ala18Ser)

Gene: ELOVL4 (ELOVL fatty acid elongase 4; minus strand). Cytogenetic location: 6q14.1.
Variant type: single nucleotide variant.
Coding change: c.52G>T on transcript NM_022726.4 (MANE Select); coding-DNA position 52, G replaced by T.
Protein change: p.Ala18Ser; replaces alanine 18 with serine.
Molecular consequence: missense variant.
Genome position (GRCh38, 1-based): chr6:79,947,228, C>A on the plus strand (G>T on the coding strand, the complement: ELOVL4 is on the minus strand). VCF-style: chr6-79947228-C-A. GRCh37 (hg19) VCF-style: chr6-80656945-C-A.
Other names: short protein forms A18S.
Identifiers: ClinVar variation 3669649 (VCV003669649.2).

ClinVar aggregate classification (germline): Uncertain significance (1 of 4 stars; one submission).

Submission:

Labcorp Genetics (formerly Invitae), Labcorp
Classification: Uncertain significance. Last evaluated: 2024-04-29. Review status: criteria provided, single submitter. Criteria: Invitae Variant Classification Sherloc (09022015). Collection method: clinical testing. Allele origin: germline.
Comment: This sequence change replaces alanine, which is neutral and non-polar, with serine, which is neutral and polar, at codon 18 of the ELOVL4 protein (p.Ala18Ser). This variant is not present in population databases (gnomAD no frequency). This variant has not been reported in the literature in individuals affected with ELOVL4-related conditions. An algorithm developed to predict the effect of missense changes on protein structure and function (PolyPhen-2) suggests that this variant is likely to be tolerated. In summary, the available evidence is currently insufficient to determine the role of this variant in disease. Therefore, it has been classified as a Variant of Uncertain Significance.